The following is an entry in ClinVar:

NM_015065.3(EXPH5):c.444-9T>C

Gene: EXPH5 (exophilin 5; minus strand). Cytogenetic location: 11q22.3.
Variant type: single nucleotide variant.
Coding change: c.444-9T>C on transcript NM_015065.3 (MANE Select); 9 bases into the intron before coding-DNA position 444, T replaced by C.
Molecular consequence: intron variant.
Genome position (GRCh38, 1-based): chr11:108,528,193, A>G on the plus strand (T>C on the coding strand, the complement: EXPH5 is on the minus strand). VCF-style: chr11-108528193-A-G. GRCh37 (hg19) VCF-style: chr11-108398920-A-G.
Other names: c.423-9T>C (NM_001441060.1, NM_001308019.2); c.216-9T>C (NM_001441070.1, NM_001441071.1, NM_001441075.1 and 8 more transcripts); c.444-9T>C (NM_001441059.1); c.-73+9770T>C (NM_001144765.2); c.-25-9T>C (NM_001441076.1, NM_001144764.2).
Identifiers: ClinVar variation 4980407 (VCV004980407.1).

ClinVar aggregate classification (germline): Likely benign (1 of 4 stars; one submission).

Conditions:
EXPH5-related disorder. Also called: EXPH5-related condition.

gnomAD v4.1: 261 of 1,604,044 alleles (0.016%); highest among the groups gnomAD compares: African/African-American, 0.31%; 1 homozygote.

Submission:

PreventionGenetics, part of Exact Sciences
Classification: Likely benign for EXPH5-related condition. Last evaluated: 2024-10-08. Review status: criteria provided, single submitter. Criteria: ACMG Guidelines, 2015. Collection method: clinical testing. Allele origin: germline.
Comment: This variant is classified as likely benign based on ACMG/AMP sequence variant interpretation guidelines (Richards et al. 2015 PMID: 25741868, with internal and published modifications).